The following is an entry in ClinVar:

ClinVar aggregate classification (germline): Uncertain significance (1 of 4 stars; one submission).

Conditions:
Familial hemophagocytic lymphohistiocytosis 5. Also called: STXBP2-Related Familial Hemophagocytic Lymphohistiocytosis (STXBP2-fHLH). Identifiers: Orphanet 540, MedGen C2751293, MONDO:0013135, OMIM 613101.

Allele frequency attached by ClinVar (database versions not stated): gnomAD exomes below 0.00001; TOPMed below 0.00001; ExAC 0.00001; gnomAD 0.00001.

Submission:

Labcorp Genetics (formerly Invitae), Labcorp
Classification: Uncertain significance for Familial hemophagocytic lymphohistiocytosis 5. Last evaluated: 2025-12-01. Review status: criteria provided, single submitter. Criteria: Invitae Variant Classification Sherloc (09022015). Collection method: clinical testing. Allele origin: germline.
Comment: This sequence change replaces tyrosine, which is neutral and polar, with cysteine, which is neutral and slightly polar, at codon 266 of the STXBP2 protein (p.Tyr266Cys). This variant is present in population databases (rs774131697, gnomAD 0.0009%). This variant has not been reported in the literature in individuals affected with STXBP2-related conditions. ClinVar contains an entry for this variant (Variation ID: 1442530). Invitae Evidence Modeling of protein sequence and biophysical properties (such as structural, functional, and spatial information, amino acid conservation, physicochemical variation, residue mobility, and thermodynamic stability) indicates that this missense variant is expected to disrupt STXBP2 protein function with a positive predictive value of 95%. In summary, the available evidence is currently insufficient to determine the role of this variant in disease. Therefore, it has been classified as a Variant of Uncertain Significance.

NM_006949.4(STXBP2):c.797A>G (p.Tyr266Cys)

Gene: STXBP2 (syntaxin binding protein 2; plus strand). Cytogenetic location: 19p13.2.
Variant type: single nucleotide variant.
Coding change: c.797A>G on transcript NM_006949.4 (MANE Select); coding-DNA position 797, A replaced by G.
Protein change: p.Tyr266Cys; replaces tyrosine 266 with cysteine.
Molecular consequence: missense variant. On other transcripts: non-coding transcript variant (1).
Genome position (GRCh38, 1-based): chr19:7,642,431, A>G. VCF-style: chr19-7642431-A-G. GRCh37 (hg19) VCF-style: chr19-7707317-A-G.
Other names: c.788A>G, p.Tyr263Cys (NM_001127396.3); c.830A>G, p.Tyr277Cys (NM_001272034.2); short protein forms Y277C, Y263C, Y266C.
Identifiers: ClinVar variation 1442530 (VCV001442530.8), dbSNP rs774131697, ClinGen allele CA9143804.